The following is an entry in ClinVar:

ClinVar aggregate classification (germline): Conflicting classifications of pathogenicity. Review status: criteria provided, conflicting classifications (1 of 4 stars). 4 submissions from 4 submitters: Uncertain significance (2); Likely benign (1). 1 of the submissions does not count toward it. Last evaluated 2024-10-29.

Conditions:
Pendred syndrome (PDS). Also called: DEAFNESS WITH GOITER; GOITER-DEAFNESS SYNDROME; HYPOTHYROIDISM, CONGENITAL, DUE TO DYSHORMONOGENESIS, 2B; Pendred Syndrome (PDS); THYROID DYSHORMONOGENESIS 2B; THYROID HORMONOGENESIS, GENETIC DEFECT IN, 2B. Identifiers: Orphanet 705, MedGen C0271829, MONDO:0010134, OMIM 274600.

Allele frequency attached by ClinVar (database versions not stated): gnomAD 0.00001; gnomAD exomes 0.00003 and 0.00014; ExAC 0.00004; TOPMed 0.00006.
gnomAD v4.1: 46 of 1,575,970 alleles (0.0029%); highest among the groups gnomAD compares: Admixed American, 0.072%; no homozygotes.

Submissions (4):

Labcorp Genetics (formerly Invitae), Labcorp
Classification: Likely benign. Last evaluated: 2024-10-29. Review status: criteria provided, single submitter. Criteria: Invitae Variant Classification Sherloc (09022015). Collection method: clinical testing. Allele origin: germline.

Blueprint Genetics
Classification: Uncertain significance. Last evaluated: 2024-02-07. Review status: criteria provided, single submitter. Criteria: ACMG Guidelines, 2015. Collection method: clinical testing. Allele origin: germline.

GeneDx
Classification: Uncertain significance. Last evaluated: 2020-11-27. Review status: criteria provided, single submitter. Criteria: GeneDx Variant Classification Process June 2021. Collection method: clinical testing. Allele origin: germline. Affected: yes.
Comment: In silico analysis supports that this missense variant does not alter protein structure/function

Natera, Inc.
Classification: Uncertain significance for Pendred syndrome. Last evaluated: 2020-01-24. Review status: no assertion criteria provided. Collection method: clinical testing. Allele origin: germline. Not counted in ClinVar's aggregate classification.

NM_000441.2(SLC26A4):c.406A>G (p.Ile136Val)

Gene: SLC26A4 (solute carrier family 26 member 4; plus strand). Cytogenetic location: 7q22.3.
Variant type: single nucleotide variant.
Coding change: c.406A>G on transcript NM_000441.2 (MANE Select); coding-DNA position 406, A replaced by G.
Protein change: p.Ile136Val; replaces isoleucine 136 with valine.
Molecular consequence: missense variant.
Genome position (GRCh38, 1-based): chr7:107,672,239, A>G. VCF-style: chr7-107672239-A-G. GRCh37 (hg19) VCF-style: chr7-107312684-A-G.
Other names: short protein forms I136V.
Identifiers: ClinVar variation 1215297 (VCV001215297.13), dbSNP rs759268252, ClinGen allele CA4432443.